The following is an entry in ClinVar:

ClinVar aggregate classification (germline): Pathogenic (1 of 4 stars; one submission).

Conditions:
Dilated cardiomyopathy 1G (CMD1G). Identifiers: Orphanet 154, MedGen C1858763, MONDO:0011400, OMIM 604145.
Autosomal recessive limb-girdle muscular dystrophy type 2J (LGMDR10). Also called: Limb-girdle muscular dystrophy, type 2J; MUSCULAR DYSTROPHY, LIMB-GIRDLE, AUTOSOMAL RECESSIVE 10. Identifiers: Orphanet 140922, MedGen C1837342, MONDO:0012127, OMIM 608807.

gnomAD v4.1: 2 of 1,613,352 alleles (0.00012%); highest among the groups gnomAD compares: Non-Finnish European, 0.00017%; no homozygotes.

Submission:

Labcorp Genetics (formerly Invitae), Labcorp
Classification: Pathogenic for Dilated cardiomyopathy 1G; Autosomal recessive limb-girdle muscular dystrophy type 2J. Last evaluated: 2024-04-10. Review status: criteria provided, single submitter. Criteria: Invitae Variant Classification Sherloc (09022015). Collection method: clinical testing. Allele origin: germline.
Comment: This sequence change creates a premature translational stop signal (p.Ser7658*) in the TTN gene. While this is not anticipated to result in nonsense mediated decay, it is expected to create a truncated TTN protein. This variant is not present in population databases (gnomAD no frequency). This premature translational stop signal has been observed in individual(s) with autosomal recessive congenital myopathy (PMID: 29691892). In at least one individual the data is consistent with being in trans (on the opposite chromosome) from a pathogenic variant. This variant is located in the I band of TTN (PMID: 25589632). Truncating variants in this region have been reported in individuals affected with autosomal recessive centronuclear myopathy (PMID: 23975875, Invitae internal data). Truncating variants in this region have also been identified in individuals affected with autosomal dominant dilated cardiomyopathy and/or cardio-related conditions (PMID: 27869827, 32964742, Invitae internal data). For these reasons, this variant has been classified as Pathogenic.

Literature cited by the submitters: PubMed 29691892; PubMed 25589632; PubMed 23975875; PubMed 27869827; PubMed 32964742.

NM_001267550.2(TTN):c.22973C>A (p.Ser7658Ter)

Gene: TTN (titin; minus strand). Cytogenetic location: 2q31.2.
Variant type: single nucleotide variant.
Coding change: c.22973C>A on transcript NM_001267550.2 (MANE Select); coding-DNA position 22973, C replaced by A.
Protein change: p.Ser7658Ter; replaces serine 7658 with a stop codon.
Molecular consequence: nonsense. On other transcripts: intron variant (3).
Genome position (GRCh38, 1-based): chr2:178,721,046, G>T on the plus strand (C>A on the coding strand, the complement: TTN is on the minus strand). VCF-style: chr2-178721046-G-T. GRCh37 (hg19) VCF-style: chr2-179585773-G-T.
Other names: c.22022C>A, p.Ser7341Ter (NM_001256850.1); c.19241C>A, p.Ser6414Ter (NM_133378.4); c.13282+17036C>A (NM_003319.4); c.13858+17036C>A (NM_133437.4); c.13657+17036C>A (NM_133432.3); short protein forms S6414*, S7341*, S7658*.
Identifiers: ClinVar variation 2938083 (VCV002938083.3), dbSNP rs1553908254, ClinGen allele CA349517594.